The following is an entry in ClinVar:

ClinVar aggregate classification (germline): Uncertain significance. Review status: criteria provided, multiple submitters, no conflicts (2 of 4 stars). 2 submissions from 2 submitters: Uncertain significance (2). Last evaluated 2025-12-21.

Conditions:
DICER1-related tumor predisposition. Also called: DICER1-related pleuropulmonary blastoma cancer predisposition syndrome; DICER1 syndrome. Identifiers: Orphanet 284343, MedGen C3839822, MONDO:0100216.
Hereditary cancer-predisposing syndrome. Also called: Hereditary Cancer Syndrome; Hereditary neoplastic syndrome; Neoplastic Syndromes, Hereditary; Tumor predisposition. Identifiers: Orphanet 140162, MedGen C0027672, MeSH D009386, MONDO:0015356.

gnomAD v4.1: 2 of 1,613,988 alleles (0.00012%); highest among the groups gnomAD compares: South Asian, 0.0011%; no homozygotes.

Submissions (2):

Labcorp Genetics (formerly Invitae), Labcorp
Classification: Uncertain significance for DICER1-related tumor predisposition. Last evaluated: 2025-12-21. Review status: criteria provided, single submitter. Criteria: Invitae Variant Classification Sherloc (09022015). Collection method: clinical testing. Allele origin: germline.
Comment: This sequence change replaces isoleucine, which is neutral and non-polar, with valine, which is neutral and non-polar, at codon 932 of the DICER1 protein (p.Ile932Val). This variant is not present in population databases (gnomAD no frequency). This variant has not been reported in the literature in individuals affected with DICER1-related conditions. ClinVar contains an entry for this variant (Variation ID: 3501955). Invitae Evidence Modeling of protein sequence and biophysical properties (such as structural, functional, and spatial information, amino acid conservation, physicochemical variation, residue mobility, and thermodynamic stability) indicates that this missense variant is not expected to disrupt DICER1 protein function with a negative predictive value of 95%. In summary, the available evidence is currently insufficient to determine the role of this variant in disease. Therefore, it has been classified as a Variant of Uncertain Significance.

Ambry Genetics
Classification: Uncertain significance for Hereditary cancer-predisposing syndrome. Last evaluated: 2024-11-15. Review status: criteria provided, single submitter. Criteria: Ambry Variant Classification Scheme 2023. Collection method: clinical testing. Allele origin: germline.
Comment: The p.I932V variant (also known as c.2794A>G), located in coding exon 16 of the DICER1 gene, results from an A to G substitution at nucleotide position 2794. The isoleucine at codon 932 is replaced by valine, an amino acid with highly similar properties. This amino acid position is conserved. In addition, this alteration is predicted to be tolerated by in silico analysis. Based on the available evidence, the clinical significance of this variant remains unclear.

NM_177438.3(DICER1):c.2794A>G (p.Ile932Val)

Gene: DICER1 (dicer 1, ribonuclease III; minus strand). Cytogenetic location: 14q32.13.
Variant type: single nucleotide variant.
Coding change: c.2794A>G on transcript NM_177438.3 (MANE Select); coding-DNA position 2794, A replaced by G.
Protein change: p.Ile932Val; replaces isoleucine 932 with valine.
Molecular consequence: missense variant. On other transcripts: non-coding transcript variant (6).
Genome position (GRCh38, 1-based): chr14:95,107,618, T>C on the plus strand (A>G on the coding strand, the complement: DICER1 is on the minus strand). VCF-style: chr14-95107618-T-C. GRCh37 (hg19) VCF-style: chr14-95573955-T-C.
Other names: c.2794A>G, p.Ile932Val (NM_001195573.1, NM_001271282.3, NM_001291628.2 and 12 more transcripts); c.2389A>G, p.Ile797Val (NM_001395687.1, NM_001395688.1, NM_001395689.1 and 2 more transcripts); c.2227A>G, p.Ile743Val (NM_001395691.1); c.1111A>G, p.Ile371Val (NM_001395697.1); c.2512A>G, p.Ile838Val (NM_001395686.1); short protein forms I743V, I838V, I797V, I932V, I371V.
Identifiers: ClinVar variation 3501955 (VCV003501955.2).